The following is an entry in ClinVar:

NM_001105206.3(LAMA4):c.3454G>A (p.Val1152Ile)

Gene: LAMA4 (laminin subunit alpha 4; minus strand). Cytogenetic location: 6q21.
Variant type: single nucleotide variant.
Coding change: c.3454G>A on transcript NM_001105206.3 (MANE Select); coding-DNA position 3454, G replaced by A.
Protein change: p.Val1152Ile; replaces valine 1152 with isoleucine.
Molecular consequence: missense variant.
Genome position (GRCh38, 1-based): chr6:112,134,570, C>T on the plus strand (G>A on the coding strand, the complement: LAMA4 is on the minus strand). VCF-style: chr6-112134570-C-T. GRCh37 (hg19) VCF-style: chr6-112455772-C-T.
Other names: c.3433G>A, p.Val1145Ile (NM_001105207.3, NM_002290.5); c.3433G>A (NM_002290.3); short protein forms V1145I, V1152I.
Identifiers: ClinVar variation 1354001 (VCV001354001.7), dbSNP rs2114666081, ClinGen allele CA365377135.
Genomic context (GRCh38, chr6:112,134,570, plus strand): 5'-CTGTAAAAGGTATTTTCATCTTTTCATTATCCATGCTCTTGACATGCCTTCTGTCAACTA[C>T]CAAGATCATTTTCTTATCATTGTGGTAAATGATTGAGATCTGGGAGAGATAATATATAGT-3'
Protein context (NP_001098676.2, residues 1142-1162): IYHNDKKMIL[Val1152Ile]VDRRHVKSMD

ClinVar aggregate classification (germline): Uncertain significance. Review status: criteria provided, multiple submitters, no conflicts (2 of 4 stars). 2 submissions from 2 submitters: Uncertain significance (2). Last evaluated 2025-08-05.

Conditions:
Cardiovascular phenotype. Identifiers: MedGen CN230736.
Dilated cardiomyopathy 1JJ (CMD1JJ). Identifiers: Orphanet 154, MedGen C3808935, MONDO:0014095, OMIM 615235.

Submissions (2):

Ambry Genetics
Classification: Uncertain significance for Cardiovascular phenotype. Last evaluated: 2025-08-05. Review status: criteria provided, single submitter. Criteria: Ambry Variant Classification Scheme 2023. Collection method: clinical testing. Allele origin: germline.

Labcorp Genetics (formerly Invitae), Labcorp
Classification: Uncertain significance for Dilated cardiomyopathy 1JJ. Last evaluated: 2022-11-22. Review status: criteria provided, single submitter. Criteria: Invitae Variant Classification Sherloc (09022015). Collection method: clinical testing. Allele origin: germline.
Comment: In summary, the available evidence is currently insufficient to determine the role of this variant in disease. Therefore, it has been classified as a Variant of Uncertain Significance. Algorithms developed to predict the effect of missense changes on protein structure and function are either unavailable or do not agree on the potential impact of this missense change (SIFT: "Tolerated"; PolyPhen-2: "Probably Damaging"; Align-GVGD: "Class C0"). ClinVar contains an entry for this variant (Variation ID: 1354001). This variant has not been reported in the literature in individuals affected with LAMA4-related conditions. This variant is not present in population databases (gnomAD no frequency). This sequence change replaces valine, which is neutral and non-polar, with isoleucine, which is neutral and non-polar, at codon 1145 of the LAMA4 protein (p.Val1145Ile).